The following is an entry in ClinVar:

NM_014727.3(KMT2B):c.6995G>A (p.Arg2332His)

Gene: KMT2B (lysine methyltransferase 2B; plus strand). Cytogenetic location: 19q13.12.
Variant type: single nucleotide variant.
Coding change: c.6995G>A on transcript NM_014727.3 (MANE Select); coding-DNA position 6995, G replaced by A.
Protein change: p.Arg2332His; replaces arginine 2332 with histidine.
Molecular consequence: missense variant.
Genome position (GRCh38, 1-based): chr19:35,733,632, G>A. VCF-style: chr19-35733632-G-A. GRCh37 (hg19) VCF-style: chr19-36224533-G-A.
Other names: short protein forms R2332H.
Identifiers: ClinVar variation 2242602 (VCV002242602.8), dbSNP rs758088530, ClinGen allele CA9385816.

ClinVar aggregate classification (germline): Uncertain significance. Review status: criteria provided, multiple submitters, no conflicts (2 of 4 stars). 3 submissions from 3 submitters: Uncertain significance (3). Last evaluated 2026-02-01.

Conditions:
Inborn genetic diseases. Identifiers: MedGen C0950123, MeSH D030342.

Allele frequency attached by ClinVar (database versions not stated): gnomAD 0.00001; ExAC 0.00002; TOPMed 0.00002.
gnomAD v4.1: 7 of 1,595,130 alleles (0.00044%); highest among the groups gnomAD compares: East Asian, 0.0023%; no homozygotes.

Submissions (3):

CeGaT Center for Human Genetics Tuebingen
Classification: Uncertain significance. Last evaluated: 2026-02-01. Review status: criteria provided, single submitter. Criteria: CeGaT Center For Human Genetics Tuebingen Variant Classification Criteria Version 2. Collection method: clinical testing. Allele origin: germline. Affected: yes. Observed: 1 variant allele.
Comment: KMT2B: PM2

Dasa
Classification: Uncertain significance. Last evaluated: 2025-02-24. Review status: criteria provided, single submitter. Criteria: DASA Assertion Criteria. Collection method: clinical testing. Allele origin: germline.
Comment: NM_014727.3(KMT2B):c.6995G>A (p.Arg2332His) is a missense variant that results in the substitution of arginine with histidine. This variant is rare in population databases. The currently available literature and clinical evidence are not sufficient to establish a definitive association between this variant and the reported condition. Therefore, this variant is classified as a variant of uncertain significance.

Ambry Genetics
Classification: Uncertain significance for Inborn genetic diseases. Last evaluated: 2021-08-10. Review status: criteria provided, single submitter. Criteria: Ambry Variant Classification Scheme 2023. Collection method: clinical testing. Allele origin: germline.